The following is an entry in ClinVar:

ClinVar aggregate classification (germline): Uncertain significance (1 of 4 stars; one submission).

Conditions:
Malignant hyperthermia, susceptibility to, 1 (MHS1). Also called: Anesthesia related hyperthermia; Malignant hyperpyrexia; Fulminating hyperpyrexia; Pharmacogenic myopathy; RYR1-Related Malignant Hyperthermia Susceptibility; Malignant hyperthermia suceptibility 1. Identifiers: Orphanet 423, MedGen C2930980, MONDO:0007783, OMIM 145600.

Submission:

All of Us Research Program, National Institutes of Health
Classification: Uncertain significance for Malignant hyperthermia, susceptibility to, 1. Last evaluated: 2023-08-23. Review status: criteria provided, single submitter. Criteria: ACMG Guidelines, 2015. Collection method: clinical testing. Allele origin: germline. Inheritance: Autosomal dominant inheritance. Observed: 1 variant allele, 1 heterozygote.
Comment: This missense variant replaces proline with arginine at codon 1748 of the RYR1 protein. Computational prediction suggests that this variant may not impact protein structure and function (internally defined REVEL score threshold <= 0.5, PMID: 27666373). To our knowledge, functional studies have not been reported for this variant. This variant has not been reported in individuals affected with RYR1-related disorders in the literature. This variant has not been identified in the general population by the Genome Aggregation Database (gnomAD). The available evidence is insufficient to determine the role of this variant in disease conclusively. Therefore, this variant is classified as a Variant of Uncertain Significance.

This study involves interpretation of variants in research participants for the purpose of population health screening. Participant phenotype was not available at the time of variant classification. Additional details can be found in publication PMID: 35346344, PMCID: PMC8962531

NM_000540.3(RYR1):c.5243C>G (p.Pro1748Arg)

Gene: RYR1 (ryanodine receptor 1; plus strand). Cytogenetic location: 19q13.2.
Variant type: single nucleotide variant.
Coding change: c.5243C>G on transcript NM_000540.3 (MANE Select); coding-DNA position 5243, C replaced by G.
Protein change: p.Pro1748Arg; replaces proline 1748 with arginine.
Molecular consequence: missense variant.
Genome position (GRCh38, 1-based): chr19:38,485,898, C>G. VCF-style: chr19-38485898-C-G. GRCh37 (hg19) VCF-style: chr19-38976538-C-G.
Other names: c.5243C>G, p.Pro1748Arg (NM_001042723.2); short protein forms P1748R.
Identifiers: ClinVar variation 3073104 (VCV003073104.1), dbSNP rs1969263478, ClinGen allele CA405654281.